The following is an entry in ClinVar:

NM_000304.4(PMP22):c.178+5G>A

Gene: PMP22 (peripheral myelin protein 22; minus strand). Cytogenetic location: 17p12.
Variant type: single nucleotide variant.
Coding change: c.178+5G>A on transcript NM_000304.4 (MANE Select); 5 bases into the intron after coding-DNA position 178, G replaced by A.
Molecular consequence: intron variant.
Genome position (GRCh38, 1-based): chr17:15,259,089, C>T on the plus strand (G>A on the coding strand, the complement: PMP22 is on the minus strand). VCF-style: chr17-15259089-C-T. GRCh37 (hg19) VCF-style: chr17-15162406-C-T.
Other names: c.178+5G>A (NM_001281456.2, NM_153321.3, NM_001281455.2 and 2 more transcripts).
Identifiers: ClinVar variation 3641599 (VCV003641599.2).

ClinVar aggregate classification (germline): Uncertain significance (1 of 4 stars; one submission).

Conditions:
Charcot-Marie-Tooth disease, type I (CMT1). Also called: Charcot-Marie-Tooth, Type 1; Charcot-Marie-Tooth disease type 1. Identifiers: Orphanet 65753, MedGen C0751036, MONDO:0019011.

gnomAD v4.1: 1 of 1,600,190 alleles (0.000062%); highest among the groups gnomAD compares: Non-Finnish European, 0.000086%; no homozygotes.

Submission:

Labcorp Genetics (formerly Invitae), Labcorp
Classification: Uncertain significance for Charcot-Marie-Tooth disease, type I. Last evaluated: 2024-05-06. Review status: criteria provided, single submitter. Criteria: Invitae Variant Classification Sherloc (09022015). Collection method: clinical testing. Allele origin: germline.
Comment: This sequence change falls in intron 3 of the PMP22 gene. It does not directly change the encoded amino acid sequence of the PMP22 protein. It affects a nucleotide within the consensus splice site. This variant is not present in population databases (gnomAD no frequency). This variant has not been reported in the literature in individuals affected with PMP22-related conditions. Variants that disrupt the consensus splice site are a relatively common cause of aberrant splicing (PMID: 17576681, 9536098). Algorithms developed to predict the effect of sequence changes on RNA splicing suggest that this variant may disrupt the consensus splice site. In summary, the available evidence is currently insufficient to determine the role of this variant in disease. Therefore, it has been classified as a Variant of Uncertain Significance.

Literature cited by the submitters: PubMed 17576681; PubMed 9536098.